The following is an entry in ClinVar:

NM_000070.3(CAPN3):c.533T>C (p.Ile178Thr)

Gene: CAPN3 (calpain 3; plus strand). Cytogenetic location: 15q15.1.
Variant type: single nucleotide variant.
Coding change: c.533T>C on transcript NM_000070.3 (MANE Select); coding-DNA position 533, T replaced by C.
Protein change: p.Ile178Thr; replaces isoleucine 178 with threonine.
Molecular consequence: missense variant.
Genome position (GRCh38, 1-based): chr15:42,387,787, T>C. VCF-style: chr15-42387787-T-C. GRCh37 (hg19) VCF-style: chr15-42679985-T-C.
Other names: c.533T>C, p.Ile178Thr (NM_024344.2, NM_173087.2); c.533T>C (NM_000070.2); short protein forms I178T.
Identifiers: ClinVar variation 284468 (VCV000284468.8), dbSNP rs794727615, ClinGen allele CA10604803.

ClinVar aggregate classification (germline): Conflicting classifications of pathogenicity. Review status: criteria provided, conflicting classifications (1 of 4 stars). 4 submissions from 4 submitters: Pathogenic (1); Likely pathogenic (2); Uncertain significance (1). Last evaluated 2024-08-27.

Conditions:
Muscular dystrophy, limb-girdle, autosomal dominant 4. Also called: Calpain-3-related limb-girdle muscular dystrophy D4; MUSCULAR DYSTROPHY, LIMB-GIRDLE, TYPE 1I. Identifiers: Orphanet 565909, MedGen C4748295, MONDO:0029133, OMIM 618129.
Autosomal recessive limb-girdle muscular dystrophy type 2A (LGMDR1). Also called: Calpainopathy; MUSCULAR DYSTROPHY, PELVOFEMORAL; Limb-girdle muscular dystrophy, type 2A; Muscular dystrophy, limb-girdle, type 2A, Amish; LEYDEN-MOEBIUS MUSCULAR DYSTROPHY. Identifiers: Orphanet 267, MedGen C1869123, MONDO:0009675, OMIM 253600. Disease mechanism: loss of function.

Allele frequency attached by ClinVar (database versions not stated): gnomAD exomes below 0.00001; gnomAD 0.00001.
gnomAD v4.1: 4 of 1,614,088 alleles (0.00025%); highest among the groups gnomAD compares: South Asian, 0.0022%; no homozygotes.

Submissions (4):

Natera, Inc.
Classification: Likely pathogenic for Limb-girdle muscular dystrophy type 2A. Last evaluated: 2024-08-27. Review status: criteria provided, single submitter. Criteria: Natera Variant Classification Schema (03/2026). Collection method: clinical testing. Allele origin: germline.
Comment: The c.533T>C variant in CAPN3 is a missense variant predicted to cause substitution of isoleucine to threonine at amino acid 178. This variant is rare in the general population with a frequency below the threshold expected for the associated phenotype(s). This variant has been observed in one or more individuals affected with the associated recessive disease, as either homozygous or compound heterozygous with a second variant (PMID: 15221789, 17526799, 35135626, 18854869). Computational prediction algorithms indicate this variant is likely to affect gene or protein function. Given the available evidence, this variant is classified as Likely Pathogenic.

Kariminejad - Najmabadi Pathology & Genetics Center
Classification: Likely pathogenic for Muscular dystrophy, limb-girdle, autosomal dominant 4. Last evaluated: 2022-10-22. Review status: criteria provided, single submitter. Criteria: ACMG Guidelines, 2015. Collection method: clinical testing. Allele origin: germline. Inheritance: Autosomal dominant inheritance. Affected: yes.
Comment: PM1,PM2,PP3,PP5

Broad Center for Mendelian Genomics, Broad Institute of MIT and Harvard
Classification: Uncertain significance for Autosomal recessive limb-girdle muscular dystrophy type 2A. Last evaluated: 2018-12-03. Review status: criteria provided, single submitter. Criteria: ACMG Guidelines, 2015. Collection method: research. Allele origin: germline. Inheritance: Autosomal recessive inheritance. Affected: yes.
Comment: This variant was absent from large population studies. Computational prediction tools and conservation analyses suggest that this variant may impact the protein, though this information is not predictive enough to determine pathogenicity. In summary, the clinical significance of the p.Ile178Thr variant is uncertain. ACMG/AMP Criteria applied: PM2, PP3 (Richards 2015).

Eurofins Ntd Llc (ga)
Classification: Pathogenic. Last evaluated: 2015-10-28. Review status: criteria provided, single submitter. Criteria: EGL Classification Definitions 2015. Collection method: clinical testing. Allele origin: germline. Observed: 1 variant allele, 1 homozygote.

Literature cited by the submitters: PubMed 15221789 (cited by Natera, Inc.); PubMed 17526799 (cited by Natera, Inc.); PubMed 35135626 (cited by Natera, Inc.); PubMed 18854869 (cited by Natera, Inc.).